The following is an entry in ClinVar:

ClinVar aggregate classification (germline): Likely benign. Review status: criteria provided, multiple submitters, no conflicts (2 of 4 stars). 3 submissions from 3 submitters: Likely benign (3). Last evaluated 2026-03-30.

Conditions:
PKD1L1-related disorder. Also called: PKD1L1-related condition.

gnomAD v4.1: 45 of 1,609,688 alleles (0.0028%); highest among the groups gnomAD compares: Middle Eastern, 0.017%; no homozygotes.

Submissions (3):

PreventionGenetics, part of Exact Sciences
Classification: Likely benign for PKD1L1-related condition. Last evaluated: 2026-03-30. Review status: criteria provided, single submitter. Criteria: ACMG Guidelines, 2015. Collection method: clinical testing. Allele origin: germline.
Comment: This variant is classified as likely benign based on ACMG/AMP sequence variant interpretation guidelines (Richards et al. 2015 PMID: 25741868, with internal and published modifications).

Labcorp Genetics (formerly Invitae), Labcorp
Classification: Likely benign. Last evaluated: 2025-08-15. Review status: criteria provided, single submitter. Criteria: Invitae Variant Classification Sherloc (09022015). Collection method: clinical testing. Allele origin: germline.

Blueprint Genetics
Classification: Likely benign. Last evaluated: 2024-07-05. Review status: criteria provided, single submitter. Criteria: ACMG Guidelines, 2015. Collection method: clinical testing. Allele origin: germline.

NM_138295.5(PKD1L1):c.6338-4G>A

Gene: PKD1L1 (polycystin 1 like 1, transient receptor potential channel interacting; minus strand). Cytogenetic location: 7p12.3.
Variant type: single nucleotide variant.
Coding change: c.6338-4G>A on transcript NM_138295.5 (MANE Select); 4 bases into the intron before coding-DNA position 6338, G replaced by A.
Molecular consequence: intron variant.
Genome position (GRCh38, 1-based): chr7:47,831,356, C>T on the plus strand (G>A on the coding strand, the complement: PKD1L1 is on the minus strand). VCF-style: chr7-47831356-C-T. GRCh37 (hg19) VCF-style: chr7-47870954-C-T.
Other names: c.6338-4G>A (NM_138295.3).
Identifiers: ClinVar variation 3704153 (VCV003704153.4).